The following is an entry in ClinVar:

ClinVar aggregate classification (germline): Likely pathogenic (1 of 4 stars; one submission).

Conditions:
Hypophosphatasia. Also called: Phosphoethanol-aminuria. Identifiers: Orphanet 436, MedGen C0020630, MeSH D007014, MONDO:0018570.

Submission:

Genomenon, Inc
Classification: Likely pathogenic for Hypophosphatasia. Last evaluated: 2025-08-29. Review status: criteria provided, single submitter. Criteria: Genomenon Sequence Variant Interpretation Standards. Collection method: curation. Allele origin: germline. Affected: yes.
Comment: ALPL c.1112C>A is a missense variant that changes the amino acid at residue 371 from Threonine to Asparagine. This variant has been observed in at least one proband affected with hypophosphatasia (PMID:36361766). It is absent or not present at a significant frequency in gnomAD. In silico models agree that this variant is possibly or probably damaging. In conclusion, we classify ALPL c.1112C>A as a likely pathogenic variant.

Literature cited by the submitters: PubMed 36361766.

NM_000478.6(ALPL):c.1112C>A (p.Thr371Asn)

Gene: ALPL (alkaline phosphatase, biomineralization associated; plus strand). Cytogenetic location: 1p36.12.
Variant type: single nucleotide variant.
Coding change: c.1112C>A on transcript NM_000478.6 (MANE Select); coding-DNA position 1112, C replaced by A.
Protein change: p.Thr371Asn; replaces threonine 371 with asparagine.
Molecular consequence: missense variant.
Genome position (GRCh38, 1-based): chr1:21,575,847, C>A. VCF-style: chr1-21575847-C-A. GRCh37 (hg19) VCF-style: chr1-21902340-C-A.
Other names: c.947C>A, p.Thr316Asn (NM_001127501.4); c.881C>A, p.Thr294Asn (NM_001177520.3); c.1112C>A, p.Thr371Asn (NM_001369803.2, NM_001369804.2, NM_001369805.2); short protein forms T294N, T316N, T371N.
Identifiers: ClinVar variation 4086868 (VCV004086868.1).
Genomic context (GRCh38, chr1:21,575,847, plus strand): 5'-AGGCGGTGGAGATGGACCGGGCCATCGGGCAGGCAGGCAGCTTGACCTCCTCGGAAGACA[C>A]TCTGACCGTGGTCACTGCGGACCATTCCCACGTCTTCACATTTGGTGGATACACCCCCCG-3'
Protein context (NP_000469.3, residues 361-381): QAGSLTSSED[Thr371Asn]LTVVTADHSH